The following is an entry in ClinVar:

ClinVar aggregate classification (germline): Uncertain significance (1 of 4 stars; one submission).

gnomAD v4.1: 2 of 1,586,976 alleles (0.00013%); highest among the groups gnomAD compares: East Asian, 0.0023%; no homozygotes.

Submission:

Women's Health and Genetics/Laboratory Corporation of America, LabCorp
Classification: Uncertain significance. Last evaluated: 2025-07-09. Review status: criteria provided, single submitter. Criteria: LabCorp Variant Classification Summary - May 2015. Collection method: clinical testing. Allele origin: germline.
Comment: Variant summary: SLC12A1 c.731C>A (p.Ala244Asp) results in a non-conservative amino acid change in the encoded protein sequence. Algorithms developed to predict the effect of missense changes on protein structure and function all suggest that this variant is likely to be disruptive. The frequency data for this variant in gnomAD is considered unreliable, as metrics indicate poor data quality at this position. c.731C>A has been observed in individuals affected with Bartter Syndrome, Type 1 (Han_2019, Ji_2021). These data indicate that the variant may be associated with disease. To our knowledge, no experimental evidence demonstrating an impact on protein function has been reported. The following publications have been ascertained in the context of this evaluation (PMID: 30790175, 33607471). No submitters have cited clinical-significance assessments for this variant to ClinVar. Based on the evidence outlined above, the variant was classified as VUS-possibly pathogenic.

Literature cited by the submitters: PubMed 30790175; PubMed 33607471.

NM_000338.3(SLC12A1):c.731C>A (p.Ala244Asp)

Gene: SLC12A1 (solute carrier family 12 member 1; plus strand). Cytogenetic location: 15q21.1.
Variant type: single nucleotide variant.
Coding change: c.731C>A on transcript NM_000338.3 (MANE Select); coding-DNA position 731, C replaced by A.
Protein change: p.Ala244Asp; replaces alanine 244 with aspartic acid.
Molecular consequence: missense variant.
Genome position (GRCh38, 1-based): chr15:48,229,195, C>A. VCF-style: chr15-48229195-C-A. GRCh37 (hg19) VCF-style: chr15-48521392-C-A.
Other names: c.731C>A, p.Ala244Asp (NM_001184832.2, NM_001384136.1); short protein forms A244D.
Identifiers: ClinVar variation 4526036 (VCV004526036.1).
Genomic context (GRCh38, chr15:48,229,195, plus strand): 5'-GGTTATATAAACTAGCAGTTCCTCAATGTGAAGTATGTTCATTTCTTGTTTCAGGTGGGG[C>A]CTACTATCTTATTTCCAGAAGTTTAGGGCCCGAGTTCGGTGGGTCAATAGGCCTGATCTT-3'
Protein context (NP_000329.2, residues 234-254): ATNGFVRGGG[Ala244Asp]YYLISRSLGP